The following is an entry in ClinVar:

ClinVar aggregate classification (germline): Conflicting classifications of pathogenicity. Review status: criteria provided, conflicting classifications (1 of 4 stars). 11 submissions from 9 submitters: Uncertain significance (1); Benign (1); Likely benign (9). Last evaluated 2026-02-03.

Conditions:
Cardiovascular phenotype. Identifiers: MedGen CN230736.
Andersen Tawil syndrome (LQT7). Also called: Potassium-sensitive periodic paralysis, ventricular ectopy, and dysmorphic features; ANDERSEN CARDIODYSRHYTHMIC PERIODIC PARALYSIS; Andersen Syndrome; PERIODIC PARALYSIS, POTASSIUM-SENSITIVE CARDIODYSRHYTHMIC TYPE; LONG QT SYNDROME 7. Identifiers: Orphanet 37553, MedGen C1563715, MONDO:0008222, OMIM 170390.
Short QT syndrome type 3. Identifiers: Orphanet 51083, MedGen C1865018, MONDO:0012314, OMIM 609622.
Atrial fibrillation, familial, 9 (ATFB9). Identifiers: MedGen C3151431, MONDO:0013513, OMIM 613980.

Allele frequency attached by ClinVar (database versions not stated): 1000 Genomes Project 30x 0.00016; 1000 Genomes Project 0.00020; gnomAD exomes 0.00026 and 0.00034; ESP Exome Variant Server 0.00031; ExAC 0.00037; gnomAD 0.00038 and 0.00042; TOPMed 0.00051.
gnomAD v4.1: 445 of 1,614,168 alleles (0.028%); highest among the groups gnomAD compares: Admixed American, 0.073%; 1 homozygote.

Submissions (11):

Labcorp Genetics (formerly Invitae), Labcorp
Classification: Likely benign for Short QT syndrome type 3; Andersen Tawil syndrome. Last evaluated: 2026-02-03. Review status: criteria provided, single submitter. Criteria: Invitae Variant Classification Sherloc (09022015). Collection method: clinical testing. Allele origin: germline.

Mayo Clinic Laboratories, Mayo Clinic
Classification: Likely benign. Last evaluated: 2025-01-21. Review status: criteria provided, single submitter. Criteria: ACMG Guidelines, 2015. Collection method: clinical testing. Allele origin: germline. Observed: 4 variant alleles.
Comment: BS1, BP4

Blueprint Genetics
Classification: Likely benign. Last evaluated: 2024-11-18. Review status: criteria provided, single submitter. Criteria: ACMG Guidelines, 2015. Collection method: clinical testing. Allele origin: germline.

GeneDx
Classification: Likely benign. Last evaluated: 2020-04-30. Review status: criteria provided, single submitter. Criteria: GeneDx Variant Classification Process June 2021. Collection method: clinical testing. Allele origin: germline. Affected: yes.
Comment: This variant is associated with the following publications: (PMID: 27930701, 28988457)

Molecular Diagnostic Laboratory for Inherited Cardiovascular Disease, Montreal Heart Institute
Classification: Likely benign. Last evaluated: 2020-03-12. Review status: criteria provided, single submitter. Criteria: ACMG Guidelines, 2015. Collection method: clinical testing. Allele origin: germline. Affected: yes.

Mendelics
Classification: Benign. Last evaluated: 2019-05-28. Review status: criteria provided, single submitter. Criteria: Mendelics Assertion Criteria 2017. Collection method: clinical testing. Allele origin: unknown.

Ambry Genetics
Classification: Likely benign for Cardiovascular phenotype. Last evaluated: 2018-09-19. Review status: criteria provided, single submitter. Criteria: Ambry Variant Classification Scheme 2023. Collection method: clinical testing. Allele origin: germline.

ARUP Laboratories, Molecular Genetics and Genomics, ARUP Laboratories
Classification: Uncertain significance. Last evaluated: 2017-05-26. Review status: criteria provided, single submitter. Criteria: ARUP Molecular Germline Variant Investigation Process. Collection method: clinical testing. Allele origin: germline.
Comment: The p.Asn410Ser variant (rs141069645) has been previously reported once in a cohort of arrhythmogenic right ventricular cardiomyopathy (AVRC) patients (Sabater-Molina 2013); however, specific genetic and clinical information about the patient in question was not reported. This variant is listed in the Genome Aggregation Database (gnomAD) browser with an overall frequency of 0.034% (identified in 94 out of 276,876 chromosomes) and is listed the ClinVar database as likely benign or as a variant of uncertain significance (Variation ID: 190804). The asparagine at codon 410 is highly conserved considering 14 species up to frog (Alamut software v2.9), although several species of fish have a serine at this position, suggesting this change is evolutionary tolerated. Likewise, computational analyses suggest this variant does not have a significant effect on KCNJ2 protein structure/function (SIFT: tolerated, PolyPhen2: benign). However, based on the available information, the clinical significance of the p.Asn410Ser variant cannot be determined with certainty.

Illumina Laboratory Services, Illumina
Classification: Likely benign for Andersen Tawil syndrome. Last evaluated: 2017-04-28. Review status: criteria provided, single submitter. Criteria: ICSL Variant Classification Criteria 13 December 2019. Collection method: clinical testing. Allele origin: germline.
Comment: This variant was observed as part of a predisposition screen in an ostensibly healthy population. A literature search was performed for the gene, cDNA change, and amino acid change (where applicable). No publications were found based on this search. Allele frequency data from public databases allowed determination this variant is unlikely to cause disease. Therefore, this variant is classified as likely benign.

Illumina Laboratory Services, Illumina
Classification: Likely benign for Atrial fibrillation, familial, 9. Last evaluated: 2017-04-28. Review status: criteria provided, single submitter. Criteria: ICSL Variant Classification Criteria 13 December 2019. Collection method: clinical testing. Allele origin: germline.
Comment: the same text as in the submission from Illumina Laboratory Services, Illumina above.

Illumina Laboratory Services, Illumina
Classification: Likely benign for Short QT syndrome type 3. Last evaluated: 2017-04-28. Review status: criteria provided, single submitter. Criteria: ICSL Variant Classification Criteria 13 December 2019. Collection method: clinical testing. Allele origin: germline.
Comment: the same text as in the submission from Illumina Laboratory Services, Illumina above.

Literature cited by the submitters: PubMed 27930701 (cited by Mayo Clinic Laboratories, Mayo Clinic); PubMed 34546463 (cited by Mayo Clinic Laboratories, Mayo Clinic); PubMed 35912989 (cited by Mayo Clinic Laboratories, Mayo Clinic).

NM_000891.3(KCNJ2):c.1229A>G (p.Asn410Ser)

Gene: KCNJ2 (potassium inwardly rectifying channel subfamily J member 2; plus strand). Cytogenetic location: 17q24.3.
Variant type: single nucleotide variant.
Coding change: c.1229A>G on transcript NM_000891.3 (MANE Select); coding-DNA position 1229, A replaced by G.
Protein change: p.Asn410Ser; replaces asparagine 410 with serine.
Molecular consequence: missense variant.
Genome position (GRCh38, 1-based): chr17:70,176,268, A>G. VCF-style: chr17-70176268-A-G. GRCh37 (hg19) VCF-style: chr17-68172409-A-G.
Other names: p.N410S:AAC>AGC; short protein forms N410S.
Identifiers: ClinVar variation 190804 (VCV000190804.31), dbSNP rs141069645, ClinGen allele CA302006.